The following is an entry in ClinVar:

NM_002361.4(MAG):c.1603C>G (p.Gln535Glu)

Gene: MAG (myelin associated glycoprotein; plus strand). Cytogenetic location: 19q13.12.
Variant type: single nucleotide variant.
Coding change: c.1603C>G on transcript NM_002361.4 (MANE Select); coding-DNA position 1603, C replaced by G.
Protein change: p.Gln535Glu; replaces glutamine 535 with glutamic acid.
Molecular consequence: missense variant.
Genome position (GRCh38, 1-based): chr19:35,310,630, C>G. VCF-style: chr19-35310630-C-G. GRCh37 (hg19) VCF-style: chr19-35801533-C-G.
Other names: c.1528C>G, p.Gln510Glu (NM_001199216.2); c.1603C>G, p.Gln535Glu (NM_080600.3); short protein forms Q510E, Q535E.
Identifiers: ClinVar variation 2067107 (VCV002067107.4), dbSNP rs776901974, ClinGen allele CA9376322.

ClinVar aggregate classification (germline): Uncertain significance (1 of 4 stars; one submission).

Conditions:
Hereditary spastic paraplegia 75. Also called: Spastic paraplegia 75, autosomal recessive. Identifiers: Orphanet 459056, MedGen C4225250, MONDO:0014729, OMIM 616680.

Allele frequency attached by ClinVar (database versions not stated): gnomAD 0.00001; ExAC 0.00003.
gnomAD v4.1: 9 of 1,613,936 alleles (0.00056%); highest among the groups gnomAD compares: Admixed American, 0.015%; no homozygotes.

Submission:

Labcorp Genetics (formerly Invitae), Labcorp
Classification: Uncertain significance for Hereditary spastic paraplegia 75. Last evaluated: 2022-11-01. Review status: criteria provided, single submitter. Criteria: Invitae Variant Classification Sherloc (09022015). Collection method: clinical testing. Allele origin: germline.
Comment: In summary, the available evidence is currently insufficient to determine the role of this variant in disease. Therefore, it has been classified as a Variant of Uncertain Significance. Algorithms developed to predict the effect of missense changes on protein structure and function (SIFT, PolyPhen-2, Align-GVGD) all suggest that this variant is likely to be tolerated. This variant has not been reported in the literature in individuals affected with MAG-related conditions. This variant is present in population databases (rs776901974, gnomAD 0.02%). This sequence change replaces glutamine, which is neutral and polar, with glutamic acid, which is acidic and polar, at codon 535 of the MAG protein (p.Gln535Glu).